The following is an entry in ClinVar:

ClinVar aggregate classification (germline): Uncertain significance. Review status: criteria provided, multiple submitters, no conflicts (2 of 4 stars). 4 submissions from 4 submitters: Uncertain significance (4). Last evaluated 2025-09-23.

Conditions:
Inborn genetic diseases. Identifiers: MedGen C0950123, MeSH D030342.
Cryptosporidiosis-chronic cholangitis-liver disease syndrome. Also called: Immunodeficiency type 56; IL21R immunodeficiency. Identifiers: Orphanet 357329, MedGen C3554687, MONDO:0014082, OMIM 615207.

Allele frequency attached by ClinVar (database versions not stated): gnomAD 0.00003 and 0.00004; gnomAD exomes 0.00005; TOPMed 0.00005; ExAC 0.00007.
gnomAD v4.1: 80 of 1,614,060 alleles (0.005%); highest among the groups gnomAD compares: Middle Eastern, 0.033%; no homozygotes.

Submissions (4):

Labcorp Genetics (formerly Invitae), Labcorp
Classification: Uncertain significance for Cryptosporidiosis-chronic cholangitis-liver disease syndrome. Last evaluated: 2025-09-23. Review status: criteria provided, single submitter. Criteria: Invitae Variant Classification Sherloc (09022015). Collection method: clinical testing. Allele origin: germline.
Comment: This sequence change replaces serine, which is neutral and polar, with leucine, which is neutral and non-polar, at codon 70 of the IL21R protein (p.Ser70Leu). This variant is present in population databases (rs780430063, gnomAD 0.01%). This variant has not been reported in the literature in individuals affected with IL21R-related conditions. ClinVar contains an entry for this variant (Variation ID: 856086). Invitae Evidence Modeling of protein sequence and biophysical properties (such as structural, functional, and spatial information, amino acid conservation, physicochemical variation, residue mobility, and thermodynamic stability) indicates that this missense variant is not expected to disrupt IL21R protein function with a negative predictive value of 80%. In summary, the available evidence is currently insufficient to determine the role of this variant in disease. Therefore, it has been classified as a Variant of Uncertain Significance.

CeGaT Center for Human Genetics Tuebingen
Classification: Uncertain significance. Last evaluated: 2024-08-01. Review status: criteria provided, single submitter. Criteria: CeGaT Center For Human Genetics Tuebingen Variant Classification Criteria Version 2. Collection method: clinical testing. Allele origin: germline. Affected: yes. Observed: 2 variant alleles.
Comment: IL21R: PM2, BP4

Ambry Genetics
Classification: Uncertain significance for Inborn genetic diseases. Last evaluated: 2023-06-26. Review status: criteria provided, single submitter. Criteria: Ambry Variant Classification Scheme 2023. Collection method: clinical testing. Allele origin: germline.

Baylor Genetics
Classification: Uncertain significance for Cryptosporidiosis-chronic cholangitis-liver disease syndrome. Last evaluated: 2020-06-03. Review status: criteria provided, single submitter. Criteria: ACMG Guidelines, 2015. Collection method: clinical testing. Allele origin: unknown. Affected: yes.
Comment: This variant was determined to be of uncertain significance according to ACMG Guidelines, 2015 [PMID:25741868].

NM_181078.3(IL21R):c.209C>T (p.Ser70Leu)

Gene: IL21R (interleukin 21 receptor; plus strand). Cytogenetic location: 16p12.1.
Variant type: single nucleotide variant.
Coding change: c.209C>T on transcript NM_181078.3 (MANE Select); coding-DNA position 209, C replaced by T.
Protein change: p.Ser70Leu; replaces serine 70 with leucine.
Molecular consequence: missense variant.
Genome position (GRCh38, 1-based): chr16:27,437,544, C>T. VCF-style: chr16-27437544-C-T. GRCh37 (hg19) VCF-style: chr16-27448865-C-T.
Other names: c.209C>T, p.Ser70Leu (NM_021798.4); c.275C>T, p.Ser92Leu (NM_181079.5); c.275C>T (NM_181079.4); short protein forms S92L, S70L.
Identifiers: ClinVar variation 856086 (VCV000856086.42), dbSNP rs780430063, ClinGen allele CA7974917.
Genomic context (GRCh38, chr16:27,437,544, plus strand): 5'-GAAGGCAAGACCAGTATGAAGAGCTGAAGGACGAGGCCACCTCCTGCAGCCTCCACAGGT[C>T]GGCCCACAATGCCACGCATGCCACCTACACCTGCCACATGGATGTATTCCACTTCATGGC-3'
Protein context (NP_851564.1, residues 60-80): DEATSCSLHR[Ser70Leu]AHNATHATYT